The following is an entry in ClinVar:

NM_000824.5(GLRB):c.1172C>T (p.Thr391Ile)

Gene: GLRB (glycine receptor beta; plus strand). Cytogenetic location: 4q32.1.
Variant type: single nucleotide variant.
Coding change: c.1172C>T on transcript NM_000824.5 (MANE Select); coding-DNA position 1172, C replaced by T.
Protein change: p.Thr391Ile; replaces threonine 391 with isoleucine.
Molecular consequence: missense variant. On other transcripts: intron variant (1).
Genome position (GRCh38, 1-based): chr4:157,152,985, C>T. VCF-style: chr4-157152985-C-T. GRCh37 (hg19) VCF-style: chr4-158074137-C-T.
Other names: c.1172C>T, p.Thr391Ile (NM_001166060.2); c.904+9026C>T (NM_001166061.2); short protein forms T391I.
Identifiers: ClinVar variation 1345926 (VCV001345926.6), dbSNP rs2126603042, ClinGen allele CA358644767.

ClinVar aggregate classification (germline): Uncertain significance (1 of 4 stars; one submission).

Conditions:
Hyperekplexia 2 (HKPX2). Identifiers: Orphanet 3197, MedGen C3553291, MONDO:0013828, OMIM 614619.

Submission:

Labcorp Genetics (formerly Invitae), Labcorp
Classification: Uncertain significance for Hyperekplexia 2. Last evaluated: 2021-10-20. Review status: criteria provided, single submitter. Criteria: Invitae Variant Classification Sherloc (09022015). Collection method: clinical testing. Allele origin: germline.
Comment: This variant is not present in population databases (ExAC no frequency). In summary, the available evidence is currently insufficient to determine the role of this variant in disease. Therefore, it has been classified as a Variant of Uncertain Significance. Advanced modeling of protein sequence and biophysical properties (such as structural, functional, and spatial information, amino acid conservation, physicochemical variation, residue mobility, and thermodynamic stability) performed at Invitae indicates that this missense variant is not expected to disrupt GLRB protein function. This variant has not been reported in the literature in individuals affected with GLRB-related conditions. This sequence change replaces threonine with isoleucine at codon 391 of the GLRB protein (p.Thr391Ile). The threonine residue is highly conserved and there is a moderate physicochemical difference between threonine and isoleucine.